The following continues an entry in ClinVar:

NM_001360016.2(G6PD):c.968T>C (p.Leu323Pro)

Gene: G6PD. ClinVar aggregate classification (germline): Pathogenic/Likely pathogenic. Pathogenic (11); Likely pathogenic (10).

Submission 24 of 24:

Labcorp Genetics (formerly Invitae), Labcorp
Classification: Uncertain significance for Anemia, nonspherocytic hemolytic, due to G6PD deficiency. Last evaluated: 2018-08-30. Review status: flagged submission. Criteria: Invitae Variant Classification Sherloc (09022015). Collection method: clinical testing. Allele origin: germline. Not counted in ClinVar's aggregate classification.
Comment: This sequence change replaces leucine with proline at codon 323 of the G6PD protein (p.Leu323Pro). The leucine residue is moderately conserved and there is a moderate physicochemical difference between leucine and proline. This variant is present in population databases (rs76723693, ExAC 0.6%). TheÂ¬â€ c.968T>C (p.Leu323Pro)Â¬â€ variant and the c.376A>G (p.Asn126Asp) variant, when co-occurring in cis, is known asÂ¬â€ G6PD Betica orÂ¬â€ G6PD SelmaÂ¬â€ c.[376A>G; 968T>C], which is a subtype ofÂ¬â€ the G6PD A- haplotype (PMID:Â¬â€ 18056001, 2572288,Â¬â€ 25915902,Â¬â€ 27413522). TheÂ¬â€ c.[376A>G; 968T>C]Â¬â€ G6PD A- haplotype is the most prevalent G6PD deficiency variantÂ¬â€ in theÂ¬â€ GambianÂ¬â€ population at 7% (PMID:Â¬â€ 24615128,Â¬â€ 26738565,Â¬â€ 28067620). This variant alone has been reported in an individual affected withÂ¬â€ neonatal jaundice andÂ¬â€ hemolytic anemiaÂ¬â€ triggered by fava beansÂ¬â€ (favism)Â¬â€ (PMID:Â¬â€ 22963789).Â¬â€ ClinVar contains an entry for this variant (Variation ID: 10388). While theÂ¬â€ c.968T>C (p.Leu323Pro)Â¬â€ variant alone has been shown to only mildly affect enzyme activity, the c.[376A>G;Â¬â€ 968T>C] changes of the G6PD A- haplotype have been reported to act synergistically to cause dramatic reduction of the enzymatic activity of the G6PD protein (PMID: 18177777, 2633878,Â¬â€ 2572288, 28067620,Â¬â€ 28195434). In summary, the available evidence is currently insufficient to determine the role of this variant in disease. Therefore, it has been classified as a Variant of Uncertain Significance.
ClinVar note: Reason: Outlier claim with insufficient supporting evidence

Literature cited by the submitters: PubMed 1303173 (cited by Ambry Genetics); PubMed 22963789 (cited by 7 submitters); PubMed 24505519 (cited by Ambry Genetics); PubMed 29072585 (cited by 7 submitters); PubMed 31525211 (cited by Ambry Genetics and Women's Health and Genetics/Laboratory Corporation of America, LabCorp); PubMed 32387609 (cited by Ambry Genetics and Rady Children's Institute for Genomic Medicine, Rady Children's Hospital San Diego); PubMed 33072997 (cited by Ambry Genetics and Variantyx, Inc.); PubMed 36150187 (cited by Ambry Genetics); PubMed 38645242 (cited by Ambry Genetics and Dunham Lab, University of Washington); PubMed 27941691 (cited by Variantyx, Inc.); PubMed 12064920 (cited by Variantyx, Inc. and Women's Health and Genetics/Laboratory Corporation of America, LabCorp); PubMed 16461316 (cited by Variantyx, Inc. and Women's Health and Genetics/Laboratory Corporation of America, LabCorp); PubMed 18452027 (cited by Variantyx, Inc. and Women's Health and Genetics/Laboratory Corporation of America, LabCorp); PubMed 24117340 (cited by Variantyx, Inc. and Women's Health and Genetics/Laboratory Corporation of America, LabCorp); PubMed 2572288 (cited by 6 submitters); PubMed 18056001 (cited by Rady Children's Institute for Genomic Medicine, Rady Children's Hospital San Diego); PubMed 18177777 (cited by Rady Children's Institute for Genomic Medicine, Rady Children's Hospital San Diego and Labcorp Genetics (formerly Invitae), Labcorp); PubMed 25015414 (cited by Rady Children's Institute for Genomic Medicine, Rady Children's Hospital San Diego); PubMed 25141282 (cited by 3 submitters); PubMed 25915902 (cited by Rady Children's Institute for Genomic Medicine, Rady Children's Hospital San Diego); PubMed 27040960 (cited by Rady Children's Institute for Genomic Medicine, Rady Children's Hospital San Diego); PubMed 27413522 (cited by Rady Children's Institute for Genomic Medicine, Rady Children's Hospital San Diego); PubMed 28067620 (cited by Rady Children's Institute for Genomic Medicine, Rady Children's Hospital San Diego); PubMed 28195434 (cited by 3 submitters); PubMed 12367584 (cited by Dasa and Illumina Laboratory Services, Illumina); PubMed 32702756 (cited by Johns Hopkins Genomics, Johns Hopkins University); PubMed 8956035 (cited by Johns Hopkins Genomics, Johns Hopkins University and Women's Health and Genetics/Laboratory Corporation of America, LabCorp); PubMed 11042039 (cited by Women's Health and Genetics/Laboratory Corporation of America, LabCorp); PubMed 7803800 (cited by Women's Health and Genetics/Laboratory Corporation of America, LabCorp); PubMed 22963798 (cited by Illumina Laboratory Services, Illumina); PubMed 22237549 (cited by Illumina Laboratory Services, Illumina); PubMed 3393536 (cited by Illumina Laboratory Services, Illumina); PubMed 2836867 (cited by OMIM); PubMed 2633878 (cited by Labcorp Genetics (formerly Invitae), Labcorp).